The following is an entry in ClinVar:

ClinVar aggregate classification (germline): Uncertain significance (1 of 4 stars; one submission).

Conditions:
Familial adenomatous polyposis 1 (FAP1). Also called: FAMILIAL ADENOMATOUS POLYPOSIS 1, ATTENUATED; POLYPOSIS, ADENOMATOUS INTESTINAL. Identifiers: MedGen C2713442, MONDO:0021056, OMIM 175100. Disease mechanism: loss of function.

Submission:

Labcorp Genetics (formerly Invitae), Labcorp
Classification: Uncertain significance for Familial adenomatous polyposis 1. Last evaluated: 2022-02-10. Review status: criteria provided, single submitter. Criteria: Invitae Variant Classification Sherloc (09022015). Collection method: clinical testing. Allele origin: germline.
Comment: In summary, the available evidence is currently insufficient to determine the role of this variant in disease. Therefore, it has been classified as a Variant of Uncertain Significance. Algorithms developed to predict the effect of missense changes on protein structure and function are either unavailable or do not agree on the potential impact of this missense change (SIFT: "Deleterious"; PolyPhen-2: "Benign"; Align-GVGD: "Class C0"). This variant has not been reported in the literature in individuals affected with APC-related conditions. This variant is not present in population databases (gnomAD no frequency). This sequence change replaces glycine, which is neutral and non-polar, with glutamic acid, which is acidic and polar, at codon 122 of the APC protein (p.Gly122Glu).

NM_000038.6(APC):c.365G>A (p.Gly122Glu)

Gene: APC (APC regulator of Wnt signaling pathway; plus strand). Cytogenetic location: 5q22.2.
Variant type: single nucleotide variant.
Coding change: c.365G>A on transcript NM_000038.6 (MANE Select); coding-DNA position 365, G replaced by A.
Protein change: p.Gly122Glu; replaces glycine 122 with glutamic acid.
Molecular consequence: missense variant. On other transcripts: 5 prime UTR variant (1).
Genome position (GRCh38, 1-based): chr5:112,767,333, G>A. VCF-style: chr5-112767333-G-A. GRCh37 (hg19) VCF-style: chr5-112103030-G-A.
Other names: c.365G>A, p.Gly122Glu (NM_001127510.3, NM_001354895.2, NM_001354896.2 and 16 more transcripts); c.395G>A, p.Gly132Glu (NM_001127511.3, NM_001354897.2, NM_001354902.2 and 1 more transcripts); c.290G>A, p.Gly97Glu (NM_001354898.2, NM_001354904.2, NM_001407451.1); c.188G>A, p.Gly63Glu (NM_001354900.2, NM_001354901.2, NM_001354905.2 and 1 more transcripts); c.-671G>A (NM_001354906.2, NM_001407470.1, NM_001407471.1 and 1 more transcripts); short protein forms G122E, G132E, G63E, G97E.
Identifiers: ClinVar variation 2096292 (VCV002096292.4), dbSNP rs755660899, ClinGen allele CA16022118.